The following is an entry in ClinVar:

ClinVar aggregate classification (germline): Uncertain significance. Review status: criteria provided, multiple submitters, no conflicts (2 of 4 stars). 2 submissions from 2 submitters: Uncertain significance (2). Last evaluated 2025-08-24.

Conditions:
Inborn genetic diseases. Identifiers: MedGen C0950123, MeSH D030342.

Allele frequency attached by ClinVar (database versions not stated): TOPMed below 0.00001; gnomAD exomes 0.00001.
gnomAD v4.1: 19 of 1,611,228 alleles (0.0012%); highest among the groups gnomAD compares: Non-Finnish European, 0.0016%; no homozygotes.

Submissions (2):

Ambry Genetics
Classification: Uncertain significance for Inborn genetic diseases. Last evaluated: 2025-08-24. Review status: criteria provided, single submitter. Criteria: Ambry Variant Classification Scheme 2023. Collection method: clinical testing. Allele origin: germline.

Labcorp Genetics (formerly Invitae), Labcorp
Classification: Uncertain significance. Last evaluated: 2023-11-27. Review status: criteria provided, single submitter. Criteria: Invitae Variant Classification Sherloc (09022015). Collection method: clinical testing. Allele origin: germline.
Comment: This sequence change replaces glutamine, which is neutral and polar, with histidine, which is basic and polar, at codon 1183 of the MYO18B protein (p.Gln1183His). This variant is present in population databases (no rsID available, gnomAD 0.002%). This variant has not been reported in the literature in individuals affected with MYO18B-related conditions. ClinVar contains an entry for this variant (Variation ID: 1942184). An algorithm developed to predict the effect of missense changes on protein structure and function (PolyPhen-2) suggests that this variant is likely to be disruptive. In summary, the available evidence is currently insufficient to determine the role of this variant in disease. Therefore, it has been classified as a Variant of Uncertain Significance.

NM_032608.7(MYO18B):c.3549G>T (p.Gln1183His)

Gene: MYO18B (myosin XVIIIB; plus strand). Cytogenetic location: 22q12.1.
Variant type: single nucleotide variant.
Coding change: c.3549G>T on transcript NM_032608.7 (MANE Select); coding-DNA position 3549, G replaced by T.
Protein change: p.Gln1183His; replaces glutamine 1183 with histidine.
Molecular consequence: missense variant.
Genome position (GRCh38, 1-based): chr22:25,846,280, G>T. VCF-style: chr22-25846280-G-T. GRCh37 (hg19) VCF-style: chr22-26242247-G-T.
Other names: c.3549G>T (NM_032608.5); c.3552G>T, p.Gln1184His (NM_001318245.2); short protein forms Q1183H, Q1184H.
Identifiers: ClinVar variation 1942184 (VCV001942184.4), dbSNP rs1395937179, ClinGen allele CA410999533.